The following is an entry in ClinVar:

NM_001042492.3(NF1):c.1229T>C (p.Leu410Pro)

Gene: NF1 (neurofibromin 1; plus strand). Cytogenetic location: 17q11.2.
Variant type: single nucleotide variant.
Coding change: c.1229T>C on transcript NM_001042492.3 (MANE Select); coding-DNA position 1229, T replaced by C.
Protein change: p.Leu410Pro; replaces leucine 410 with proline.
Molecular consequence: missense variant.
Genome position (GRCh38, 1-based): chr17:31,201,454, T>C. VCF-style: chr17-31201454-T-C. GRCh37 (hg19) VCF-style: chr17-29528472-T-C.
Other names: c.1229T>C, p.Leu410Pro (NM_000267.4, NM_001128147.3); short protein forms L410P.
Identifiers: ClinVar variation 1706163 (VCV001706163.7), dbSNP rs1376759287, ClinGen allele CA398997633.

ClinVar aggregate classification (germline): Pathogenic/Likely pathogenic. Review status: criteria provided, multiple submitters, no conflicts (2 of 4 stars). 5 submissions from 5 submitters: Pathogenic (2); Likely pathogenic (3). Last evaluated 2026-08-20.

Conditions:
Neurofibromatosis, type 1 (NF1). Also called: Peripheral type neurofibromatosis; Neurofibromatosis, type I; NEUROFIBROMATOSIS, TYPE I, SOMATIC; VON RECKLINGHAUSEN DISEASE. Identifiers: Orphanet 636, MedGen C0027831, MONDO:0018975, OMIM 162200. Disease mechanism: loss of function.
Hereditary cancer-predisposing syndrome. Also called: Neoplastic Syndromes, Hereditary; Tumor predisposition; Hereditary Cancer Syndrome; Hereditary neoplastic syndrome. Identifiers: Orphanet 140162, MedGen C0027672, MeSH D009386, MONDO:0015356.
Cardiovascular phenotype. Identifiers: MedGen CN230736.

Submissions (5):

GeneDx
Classification: Likely pathogenic. Last evaluated: 2026-08-20. Review status: criteria provided, single submitter. Criteria: GeneDx Variant Classification Process June 2021. Collection method: clinical testing. Allele origin: germline.
Comment: Not observed at significant frequency in large population cohorts (gnomAD); In silico analysis supports that this missense variant has a deleterious effect on protein structure/function; Identified in patients with NF1-related clinical features referred for genetic testing at GeneDx and in published literature (PMID: 31776437); This variant is associated with the following publications: (PMID: 23656349, LOVD, 31776437)

Department of Genetics, Sultan Qaboos University Hospital
Classification: Pathogenic for Neurofibromatosis, type 1. Last evaluated: 2026-04-01. Review status: criteria provided, single submitter. Criteria: ACMG Guidelines, 2015. Collection method: clinical testing. Allele origin: germline. Affected: yes. Observed: 1 variant allele.
Comment: PM1,PM2,PM5,PP3_Strong,PP5_Very_Strong

Ambry Genetics
Classification: Likely pathogenic for Cardiovascular phenotype; Hereditary cancer-predisposing syndrome. Last evaluated: 2026-03-20. Review status: criteria provided, single submitter. Criteria: Ambry Variant Classification Scheme 2023. Collection method: clinical testing. Allele origin: germline.
Comment: The p.L410P variant (also known as c.1229T>C), located in coding exon 11 of the NF1 gene, results from a T to C substitution at nucleotide position 1229. The leucine at codon 410 is replaced by proline, an amino acid with similar properties. This variant was reported in individual(s) with features consistent with neurofibromatosis type 1 (Kang E et al. J Hum Genet, 2020 Jan;65:79-89; van Minkelen R et al. Clin Genet, 2014 Apr;85:318-27; external communication; Ambry internal data). This amino acid position is highly conserved in available vertebrate species. In addition, this alteration is predicted to be deleterious by in silico analysis. This variant is considered to be rare based on population cohorts in the Genome Aggregation Database (gnomAD). Based on the majority of available evidence to date, this variant is likely to be pathogenic.

Labcorp Genetics (formerly Invitae), Labcorp
Classification: Pathogenic for Neurofibromatosis, type 1. Last evaluated: 2025-12-08. Review status: criteria provided, single submitter. Criteria: Invitae Variant Classification Sherloc (09022015). Collection method: clinical testing. Allele origin: germline.
Comment: This sequence change replaces leucine, which is neutral and non-polar, with proline, which is neutral and non-polar, at codon 410 of the NF1 protein (p.Leu410Pro). This variant is not present in population databases (gnomAD no frequency). This missense change has been observed in individual(s) with neurofibromatosis type 1 (PMID: 31776437; Internal data). ClinVar contains an entry for this variant (Variation ID: 1706163). Invitae Evidence Modeling of protein sequence and biophysical properties (such as structural, functional, and spatial information, amino acid conservation, physicochemical variation, residue mobility, and thermodynamic stability) indicates that this missense variant is expected to disrupt NF1 protein function with a positive predictive value of 95%. For these reasons, this variant has been classified as Pathogenic.

Laboratory of Genetics, Children's Clinical University Hospital Latvia
Classification: Likely pathogenic. Last evaluated: 2025-02-16. Review status: criteria provided, single submitter. Criteria: ACMG Guidelines, 2015. Collection method: clinical testing. Allele origin: germline. Affected: yes.

Literature cited by the submitters: PubMed 23656349 (cited by Ambry Genetics); PubMed 31776437 (cited by Ambry Genetics and Labcorp Genetics (formerly Invitae), Labcorp).